The following is an entry in ClinVar:

NM_012448.4(STAT5B):c.228G>C (p.Val76=)

Gene: STAT5B (signal transducer and activator of transcription 5B; minus strand). Cytogenetic location: 17q21.2.
Variant type: single nucleotide variant.
Coding change: c.228G>C on transcript NM_012448.4 (MANE Select); coding-DNA position 228, G replaced by C.
Protein change: p.Val76=; no amino-acid change (valine 76 retained).
Molecular consequence: synonymous variant.
Genome position (GRCh38, 1-based): chr17:42,227,586, C>G on the plus strand (G>C on the coding strand, the complement: STAT5B is on the minus strand). VCF-style: chr17-42227586-C-G. GRCh37 (hg19) VCF-style: chr17-40379604-C-G.
Identifiers: ClinVar variation 3011453 (VCV003011453.3), dbSNP rs553370889, ClinGen allele CA500061821.

ClinVar aggregate classification (germline): Uncertain significance (1 of 4 stars; one submission).

Conditions:
Growth hormone insensitivity with immune dysregulation 1, autosomal recessive. Also called: GROWTH HORMONE INSENSITIVITY DUE TO POSTRECEPTOR DEFECT; LARON SYNDROME DUE TO POSTRECEPTOR DEFECT; GROWTH HORMONE INSENSITIVITY SYNDROME WITH IMMUNE DYSREGULATION 1, AUTOSOMAL RECESSIVE; Laron syndrome with immunodeficiency. Identifiers: Orphanet 220465, MedGen C5435698, MONDO:0100211, OMIM 245590.

Submission:

Labcorp Genetics (formerly Invitae), Labcorp
Classification: Uncertain significance for Growth hormone insensitivity with immune dysregulation 1, autosomal recessive. Last evaluated: 2022-11-24. Review status: criteria provided, single submitter. Criteria: Invitae Variant Classification Sherloc (09022015). Collection method: clinical testing. Allele origin: germline.
Comment: This sequence change affects codon 76 of the STAT5B mRNA. It is a 'silent' change, meaning that it does not change the encoded amino acid sequence of the STAT5B protein. Algorithms developed to predict the effect of sequence changes on RNA splicing suggest that this variant may disrupt the consensus splice site. This variant has not been reported in the literature in individuals affected with STAT5B-related conditions. This variant is present in population databases (no rsID available, gnomAD 0.002%). In summary, the available evidence is currently insufficient to determine the role of this variant in disease. Therefore, it has been classified as a Variant of Uncertain Significance.